The following is an entry in ClinVar:

ClinVar aggregate classification (germline): Uncertain significance. Review status: criteria provided, multiple submitters, no conflicts (2 of 4 stars). 2 submissions from 2 submitters: Uncertain significance (2). Last evaluated 2024-04-04.

Conditions:
Early-infantile DEE. Also called: Early infantile epileptic encephalopathy; Early infantile epileptic encephalopathy with suppression bursts; Ohtahara syndrome. Identifiers: Orphanet 1934, MedGen C0393706, MONDO:0800491.

gnomAD v4.1: 4 of 1,613,966 alleles (0.00025%); highest among the groups gnomAD compares: East Asian, 0.0022%; no homozygotes.

Submissions (2):

Labcorp Genetics (formerly Invitae), Labcorp
Classification: Uncertain significance for Early-infantile DEE. Last evaluated: 2024-04-04. Review status: criteria provided, single submitter. Criteria: Invitae Variant Classification Sherloc (09022015). Collection method: clinical testing. Allele origin: germline.
Comment: This sequence change replaces threonine, which is neutral and polar, with serine, which is neutral and polar, at codon 368 of the KCNQ2 protein (p.Thr368Ser). This variant is present in population databases (no rsID available, gnomAD 0.006%). This variant has not been reported in the literature in individuals affected with KCNQ2-related conditions. ClinVar contains an entry for this variant (Variation ID: 1311180). Advanced modeling of protein sequence and biophysical properties (such as structural, functional, and spatial information, amino acid conservation, physicochemical variation, residue mobility, and thermodynamic stability) performed at Invitae indicates that this missense variant is not expected to disrupt KCNQ2 protein function with a negative predictive value of 95%. In summary, the available evidence is currently insufficient to determine the role of this variant in disease. Therefore, it has been classified as a Variant of Uncertain Significance.

GeneDx
Classification: Uncertain significance. Last evaluated: 2019-09-10. Review status: criteria provided, single submitter. Criteria: GeneDx Variant Classification Process June 2021. Collection method: clinical testing. Allele origin: germline. Affected: yes.
Comment: Not observed at a significant frequency in large population cohorts (Lek et al., 2016); The majority of missense variants in this gene are considered pathogenic (Stenson et al., 2014); In silico analysis, which includes protein predictors and evolutionary conservation, supports that this variant does not alter protein structure/function; Has not been previously published as pathogenic or benign to our knowledge; This substitution is predicted to be within the C-terminal cytoplasmic domain

NM_172107.4(KCNQ2):c.1103C>G (p.Thr368Ser)

Gene: KCNQ2 (potassium voltage-gated channel subfamily Q member 2; minus strand). Cytogenetic location: 20q13.33.
Variant type: single nucleotide variant.
Coding change: c.1103C>G on transcript NM_172107.4 (MANE Select); coding-DNA position 1103, C replaced by G.
Protein change: p.Thr368Ser; replaces threonine 368 with serine.
Molecular consequence: missense variant.
Genome position (GRCh38, 1-based): chr20:63,433,824, G>C on the plus strand (C>G on the coding strand, the complement: KCNQ2 is on the minus strand). VCF-style: chr20-63433824-G-C. GRCh37 (hg19) VCF-style: chr20-62065177-G-C.
Other names: c.1103C>G, p.Thr368Ser (NM_001382235.1, NM_004518.6, NM_172106.3 and 2 more transcripts); short protein forms T368S.
Identifiers: ClinVar variation 1311180 (VCV001311180.4), dbSNP rs900170305, ClinGen allele CA317452102.
Genomic context (GRCh38, chr20:63,433,824, plus strand): 5'-AAAAAATGAAACAGTTGCTTGGTGGCAGGTGCCCGGCGGCGGTACCTGTACATGGGCACG[G>C]TGACCGTTCGCTCGTAGTACTGCCACGTGGAGTGCAGGTCTGTGCGCGAGAGGTTGGTGG-3'
Protein context (NP_742105.1, residues 358-378): STWQYYERTV[Thr368Ser]VPMYSSQTQT